The following is an entry in ClinVar:

NM_001100.4(ACTA1):c.82G>T (p.Ala28Ser)

Gene: ACTA1 (actin alpha 1, skeletal muscle; minus strand). Cytogenetic location: 1q42.13.
Variant type: single nucleotide variant.
Coding change: c.82G>T on transcript NM_001100.4 (MANE Select); coding-DNA position 82, G replaced by T.
Protein change: p.Ala28Ser; replaces alanine 28 with serine.
Molecular consequence: missense variant.
Genome position (GRCh38, 1-based): chr1:229,433,034, C>A on the plus strand (G>T on the coding strand, the complement: ACTA1 is on the minus strand). VCF-style: chr1-229433034-C-A. GRCh37 (hg19) VCF-style: chr1-229568781-C-A.
Other names: c.82G>T (NM_001100.3); short protein forms A28S.
Identifiers: ClinVar variation 1428668 (VCV001428668.9), dbSNP rs546670743, ClinGen allele CA1442942.

ClinVar aggregate classification (germline): Uncertain significance. Review status: criteria provided, multiple submitters, no conflicts (2 of 4 stars). 2 submissions from 2 submitters: Uncertain significance (2). Last evaluated 2025-11-26.

Conditions:
Actin accumulation myopathy (CMYO2A). Also called: CONGENITAL MYOPATHY 2A, TYPICAL, AUTOSOMAL DOMINANT; Nemaline myopathy type 3; Myopathy, actin, congenital, with excess of thin myofilaments; Myopathy, actin, congenital, with cores; Nemaline myopathy 3, with intranuclear rods. Identifiers: Orphanet 98904, MedGen C3711389, MONDO:0008070, OMIM 161800.
Inborn genetic diseases. Identifiers: MedGen C0950123, MeSH D030342.

Allele frequency attached by ClinVar (database versions not stated): gnomAD exomes below 0.00001 and 0.00001; ExAC 0.00001; gnomAD 0.00001; TOPMed 0.00002; 1000 Genomes Project 0.00020; 1000 Genomes Project 30x 0.00031.

Submissions (2):

Ambry Genetics
Classification: Uncertain significance for Inborn genetic diseases. Last evaluated: 2025-11-26. Review status: criteria provided, single submitter. Criteria: Ambry Variant Classification Scheme 2023. Collection method: clinical testing. Allele origin: germline.

Labcorp Genetics (formerly Invitae), Labcorp
Classification: Uncertain significance for Actin accumulation myopathy. Last evaluated: 2022-07-05. Review status: criteria provided, single submitter. Criteria: Invitae Variant Classification Sherloc (09022015). Collection method: clinical testing. Allele origin: germline.
Comment: This sequence change replaces alanine, which is neutral and non-polar, with serine, which is neutral and polar, at codon 28 of the ACTA1 protein (p.Ala28Ser). This variant is present in population databases (rs546670743, gnomAD 0.006%). This variant has not been reported in the literature in individuals affected with ACTA1-related conditions. ClinVar contains an entry for this variant (Variation ID: 1428668). Advanced modeling of protein sequence and biophysical properties (such as structural, functional, and spatial information, amino acid conservation, physicochemical variation, residue mobility, and thermodynamic stability) performed at Invitae indicates that this missense variant is expected to disrupt ACTA1 protein function. In summary, the available evidence is currently insufficient to determine the role of this variant in disease. Therefore, it has been classified as a Variant of Uncertain Significance.